The following is an entry in ClinVar:

NM_000368.5(TSC1):c.557C>T (p.Ala186Val)

Gene: TSC1 (TSC complex subunit 1; minus strand). Cytogenetic location: 9q34.13.
Variant type: single nucleotide variant.
Coding change: c.557C>T on transcript NM_000368.5 (MANE Select); coding-DNA position 557, C replaced by T.
Protein change: p.Ala186Val; replaces alanine 186 with valine.
Molecular consequence: missense variant. On other transcripts: 5 prime UTR variant (5), non-coding transcript variant (5).
Genome position (GRCh38, 1-based): chr9:132,921,925, G>A on the plus strand (C>T on the coding strand, the complement: TSC1 is on the minus strand). VCF-style: chr9-132921925-G-A. GRCh37 (hg19) VCF-style: chr9-135797312-G-A.
Other names: c.557C>T, p.Ala186Val (NM_001162426.2, NM_001406592.1, NM_001406593.1 and 16 more transcripts); c.404C>T, p.Ala135Val (NM_001162427.2, NM_001406610.1, NM_001406611.1 and 2 more transcripts); c.194C>T, p.Ala65Val (NM_001362177.2, NM_001406621.1, NM_001406622.1 and 10 more transcripts); c.-321C>T (NM_001406626.1, NM_001406627.1, NM_001406628.1); c.-463C>T (NM_001406629.1); c.-537C>T (NM_001406630.1); short protein forms A135V, A65V, A186V.
Identifiers: ClinVar variation 2765418 (VCV002765418.4), dbSNP rs2132158382, ClinGen allele CA375372732.

ClinVar aggregate classification (germline): Uncertain significance. Review status: criteria provided, multiple submitters, no conflicts (2 of 4 stars). 2 submissions from 2 submitters: Uncertain significance (2). Last evaluated 2025-03-14.

Conditions:
Tuberous sclerosis 1 (TSC1). Identifiers: Orphanet 805, MedGen C1854465, MONDO:0008612, OMIM 191100.
Hereditary cancer-predisposing syndrome. Also called: Hereditary neoplastic syndrome; Hereditary Cancer Syndrome; Neoplastic Syndromes, Hereditary; Tumor predisposition. Identifiers: Orphanet 140162, MedGen C0027672, MeSH D009386, MONDO:0015356.

Allele frequency attached by ClinVar (database versions not stated): gnomAD exomes below 0.00001.
gnomAD v4.1: 1 of 1,614,188 alleles (0.000062%); highest among the groups gnomAD compares: Non-Finnish European, 0.000085%; no homozygotes.

Submissions (2):

Ambry Genetics
Classification: Uncertain significance for Hereditary cancer-predisposing syndrome. Last evaluated: 2025-03-14. Review status: criteria provided, single submitter. Criteria: Ambry Variant Classification Scheme 2023. Collection method: clinical testing. Allele origin: germline.
Comment: The p.A186V variant (also known as c.557C>T), located in coding exon 5 of the TSC1 gene, results from a C to T substitution at nucleotide position 557. The alanine at codon 186 is replaced by valine, an amino acid with similar properties. This amino acid position is not well conserved in available vertebrate species. In addition, this alteration is predicted to be deleterious by in silico analysis. Based on the available evidence, the clinical significance of this variant remains unclear.

Labcorp Genetics (formerly Invitae), Labcorp
Classification: Uncertain significance for Tuberous sclerosis 1. Last evaluated: 2023-10-04. Review status: criteria provided, single submitter. Criteria: Invitae Variant Classification Sherloc (09022015). Collection method: clinical testing. Allele origin: germline.
Comment: This sequence change replaces alanine, which is neutral and non-polar, with valine, which is neutral and non-polar, at codon 186 of the TSC1 protein (p.Ala186Val). This variant is not present in population databases (gnomAD no frequency). This variant has not been reported in the literature in individuals affected with TSC1-related conditions. Advanced modeling of protein sequence and biophysical properties (such as structural, functional, and spatial information, amino acid conservation, physicochemical variation, residue mobility, and thermodynamic stability) performed at Invitae indicates that this missense variant is not expected to disrupt TSC1 protein function. In summary, the available evidence is currently insufficient to determine the role of this variant in disease. Therefore, it has been classified as a Variant of Uncertain Significance.